The following is an entry in ClinVar:

NM_001110556.2(FLNA):c.1788C>G (p.Asp596Glu)

Gene: FLNA (filamin A; minus strand). Cytogenetic location: Xq28.
Variant type: single nucleotide variant.
Coding change: c.1788C>G on transcript NM_001110556.2 (MANE Select); coding-DNA position 1788, C replaced by G.
Protein change: p.Asp596Glu; replaces aspartic acid 596 with glutamic acid.
Molecular consequence: missense variant.
Genome position (GRCh38, 1-based): chrX:154,364,861, G>C on the plus strand (C>G on the coding strand, the complement: FLNA is on the minus strand). VCF-style: chrX-154364861-G-C. GRCh37 (hg19) VCF-style: chrX-153593229-G-C.
Other names: c.1788C>G, p.Asp596Glu (NM_001456.4); short protein forms D596E.
Identifiers: ClinVar variation 3279174 (VCV003279174.1).

ClinVar aggregate classification (germline): Uncertain significance (1 of 4 stars; one submission).

Conditions:
Familial thoracic aortic aneurysm and aortic dissection (TAAD). Also called: Thoracic aortic aneurysms and dissections. Identifiers: Orphanet 91387, MedGen C4707243, MONDO:0019625.

Submission:

Ambry Genetics
Classification: Uncertain significance for Familial thoracic aortic aneurysm and aortic dissection. Last evaluated: 2024-05-16. Review status: criteria provided, single submitter. Criteria: Ambry Variant Classification Scheme 2023. Collection method: clinical testing. Allele origin: germline.
Comment: The p.D596E variant (also known as c.1788C>G), located in coding exon 11 of the FLNA gene, results from a C to G substitution at nucleotide position 1788. The aspartic acid at codon 596 is replaced by glutamic acid, an amino acid with highly similar properties. Based on data from gnomAD, the G allele has an overall frequency of <0.01% (1/181650) total alleles studied, with 1 hemizygote(s) observed. The highest observed frequency was <0.01% (1/81414) of European (non-Finnish) alleles. This amino acid position is highly conserved in available vertebrate species. In addition, this alteration is predicted to be tolerated by in silico analysis. Based on the available evidence, the clinical significance of this variant remains unclear.